The following is an entry in ClinVar:

NM_001166108.2(PALLD):c.2184G>C (p.Glu728Asp)

Genes: CBR4 (carbonyl reductase 4; minus strand), PALLD (palladin, cytoskeletal associated protein; plus strand). Cytogenetic location: 4q32.3.
Variant type: single nucleotide variant.
Coding change: c.2184G>C on transcript NM_001166108.2 (MANE Select); coding-DNA position 2184, G replaced by C.
Protein change: p.Glu728Asp; replaces glutamic acid 728 with aspartic acid.
Molecular consequence: missense variant.
Genome position (GRCh38, 1-based): chr4:168,894,662, G>C. VCF-style: chr4-168894662-G-C. GRCh37 (hg19) VCF-style: chr4-169815813-G-C.
Other names: c.1038G>C, p.Glu346Asp (NM_001166109.2); c.723G>C, p.Glu241Asp (NM_001166110.2); c.63G>C, p.Glu21Asp (NM_001367567.1, NM_001367568.1, NM_001367569.1 and 1 more transcripts); c.2184G>C, p.Glu728Asp (NM_016081.4); short protein forms E21D, E241D, E728D, E346D.
Identifiers: ClinVar variation 1787310 (VCV001787310.2), dbSNP rs2533639319, ClinGen allele CA358797801.

ClinVar aggregate classification (germline): Uncertain significance (1 of 4 stars; one submission).

Submission:

Ambry Genetics
Classification: Uncertain significance. Last evaluated: 2022-04-08. Review status: criteria provided, single submitter. Criteria: Ambry Variant Classification Scheme 2023. Collection method: clinical testing. Allele origin: germline.
Comment: The p.E728D variant (also known as c.2184G>C), located in coding exon 11 of the PALLD gene, results from a G to C substitution at nucleotide position 2184. The glutamic acid at codon 728 is replaced by aspartic acid, an amino acid with highly similar properties. This amino acid position is conserved. In addition, this alteration is predicted to be tolerated by in silico analysis. Since supporting evidence is limited at this time, the clinical significance of this alteration remains unclear.